The following is an entry in ClinVar:

ClinVar aggregate classification (germline): Uncertain significance (1 of 4 stars; one submission).

Allele frequency attached by ClinVar (database versions not stated): gnomAD exomes below 0.00001; gnomAD 0.00001; TOPMed 0.00002; 1000 Genomes Project 30x 0.00031.
gnomAD v4.1: 7 of 1,550,672 alleles (0.00045%); highest among the groups gnomAD compares: African/African-American, 0.0014%; no homozygotes.

Submission:

Labcorp Genetics (formerly Invitae), Labcorp
Classification: Uncertain significance. Last evaluated: 2021-08-26. Review status: criteria provided, single submitter. Criteria: Invitae Variant Classification Sherloc (09022015). Collection method: clinical testing. Allele origin: germline.
Comment: In summary, the available evidence is currently insufficient to determine the role of this variant in disease. Therefore, it has been classified as a Variant of Uncertain Significance. Algorithms developed to predict the effect of missense changes on protein structure and function are either unavailable or do not agree on the potential impact of this missense change (SIFT: "Not Available"; PolyPhen-2: "Benign"; Align-GVGD: "Not Available"). This variant has not been reported in the literature in individuals affected with UNC80-related conditions. This variant is not present in population databases (ExAC no frequency). This sequence change replaces valine with isoleucine at codon 2214 of the UNC80 protein (p.Val2214Ile). The valine residue is weakly conserved and there is a small physicochemical difference between valine and isoleucine.

NM_001371986.1(UNC80):c.6838G>A (p.Val2280Ile)

Gene: UNC80 (unc-80 homolog, NALCN channel complex subunit; plus strand). Cytogenetic location: 2q34.
Variant type: single nucleotide variant.
Coding change: c.6838G>A on transcript NM_001371986.1 (MANE Select); coding-DNA position 6838, G replaced by A.
Protein change: p.Val2280Ile; replaces valine 2280 with isoleucine.
Molecular consequence: missense variant.
Genome position (GRCh38, 1-based): chr2:209,941,412, G>A. VCF-style: chr2-209941412-G-A. GRCh37 (hg19) VCF-style: chr2-210806136-G-A.
Other names: c.6640G>A, p.Val2214Ile (NM_032504.2); c.6625G>A, p.Val2209Ile (NM_182587.4); short protein forms V2209I, V2214I, V2280I.
Identifiers: ClinVar variation 1377565 (VCV001377565.5), dbSNP rs1314338608, ClinGen allele CA350772995.